The following is an entry in ClinVar:

NM_212482.4(FN1):c.3183G>T (p.Glu1061Asp)

Gene: FN1 (fibronectin 1; minus strand). Cytogenetic location: 2q35.
Variant type: single nucleotide variant.
Coding change: c.3183G>T on transcript NM_212482.4 (MANE Select); coding-DNA position 3183, G replaced by T.
Protein change: p.Glu1061Asp; replaces glutamic acid 1061 with aspartic acid.
Molecular consequence: missense variant.
Genome position (GRCh38, 1-based): chr2:215,404,459, C>A on the plus strand (G>T on the coding strand, the complement: FN1 is on the minus strand). VCF-style: chr2-215404459-C-A. GRCh37 (hg19) VCF-style: chr2-216269182-C-A.
Other names: c.3183G>T, p.Glu1061Asp (NM_001306129.2, NM_001306130.2, NM_001306131.2 and 13 more transcripts); short protein forms E1061D.
Identifiers: ClinVar variation 2851259 (VCV002851259.3), dbSNP rs1031047059, ClinGen allele CA350489203.

ClinVar aggregate classification (germline): Uncertain significance (1 of 4 stars; one submission).

Allele frequency attached by ClinVar (database versions not stated): TOPMed below 0.00001.

Submission:

Labcorp Genetics (formerly Invitae), Labcorp
Classification: Uncertain significance. Last evaluated: 2023-03-31. Review status: criteria provided, single submitter. Criteria: Invitae Variant Classification Sherloc (09022015). Collection method: clinical testing. Allele origin: germline.
Comment: This sequence change replaces glutamic acid, which is acidic and polar, with aspartic acid, which is acidic and polar, at codon 1061 of the FN1 protein (p.Glu1061Asp). This variant is not present in population databases (gnomAD no frequency). This variant has not been reported in the literature in individuals affected with FN1-related conditions. Advanced modeling of protein sequence and biophysical properties (such as structural, functional, and spatial information, amino acid conservation, physicochemical variation, residue mobility, and thermodynamic stability) performed at Invitae indicates that this missense variant is not expected to disrupt FN1 protein function. In summary, the available evidence is currently insufficient to determine the role of this variant in disease. Therefore, it has been classified as a Variant of Uncertain Significance.